The following is an entry in ClinVar:

NM_001843.4(CNTN1):c.751G>A (p.Val251Ile)

Gene: CNTN1 (contactin 1; plus strand). Cytogenetic location: 12q12.
Variant type: single nucleotide variant.
Coding change: c.751G>A on transcript NM_001843.4 (MANE Select); coding-DNA position 751, G replaced by A.
Protein change: p.Val251Ile; replaces valine 251 with isoleucine.
Molecular consequence: missense variant.
Genome position (GRCh38, 1-based): chr12:40,933,508, G>A. VCF-style: chr12-40933508-G-A. GRCh37 (hg19) VCF-style: chr12-41327310-G-A.
Other names: c.751G>A, p.Val251Ile (NM_001256063.2, NM_001256064.2); c.718G>A, p.Val240Ile (NM_175038.2); short protein forms V240I, V251I.
Identifiers: ClinVar variation 1411810 (VCV001411810.8), dbSNP rs2136919426, ClinGen allele CA384423017.

ClinVar aggregate classification (germline): Uncertain significance (1 of 4 stars; one submission).

Conditions:
Compton-North congenital myopathy (CMYO12). Identifiers: Orphanet 210163, MedGen C2675527, MONDO:0012929, OMIM 612540.

gnomAD v4.1: 2 of 1,612,138 alleles (0.00012%); highest among the groups gnomAD compares: South Asian, 0.0011%; no homozygotes.

Submission:

Labcorp Genetics (formerly Invitae), Labcorp
Classification: Uncertain significance for Compton-North congenital myopathy. Last evaluated: 2022-06-20. Review status: criteria provided, single submitter. Criteria: Invitae Variant Classification Sherloc (09022015). Collection method: clinical testing. Allele origin: germline.
Comment: In summary, the available evidence is currently insufficient to determine the role of this variant in disease. Therefore, it has been classified as a Variant of Uncertain Significance. This sequence change replaces valine, which is neutral and non-polar, with isoleucine, which is neutral and non-polar, at codon 251 of the CNTN1 protein (p.Val251Ile). This variant is not present in population databases (gnomAD no frequency). This variant has not been reported in the literature in individuals affected with CNTN1-related conditions. Advanced modeling of protein sequence and biophysical properties (such as structural, functional, and spatial information, amino acid conservation, physicochemical variation, residue mobility, and thermodynamic stability) performed at Invitae indicates that this missense variant is not expected to disrupt CNTN1 protein function.